The following is an entry in ClinVar:

ClinVar aggregate classification (germline): Uncertain significance. Review status: criteria provided, multiple submitters, no conflicts (2 of 4 stars). 2 submissions from 2 submitters: Uncertain significance (2). Last evaluated 2025-08-20.

Allele frequency attached by ClinVar (database versions not stated): gnomAD exomes 0.00002; ExAC 0.00003; ESP Exome Variant Server 0.00008; TOPMed 0.00003; gnomAD 0.00003.
gnomAD v4.1: 40 of 1,613,848 alleles (0.0025%); highest among the groups gnomAD compares: Non-Finnish European, 0.0031%; no homozygotes.

Submissions (2):

Ambry Genetics
Classification: Uncertain significance. Last evaluated: 2025-08-20. Review status: criteria provided, single submitter. Criteria: Ambry Variant Classification Scheme 2023. Collection method: clinical testing. Allele origin: germline.

Labcorp Genetics (formerly Invitae), Labcorp
Classification: Uncertain significance. Last evaluated: 2025-08-18. Review status: criteria provided, single submitter. Criteria: Invitae Variant Classification Sherloc (09022015). Collection method: clinical testing. Allele origin: germline.
Comment: This sequence change replaces valine, which is neutral and non-polar, with alanine, which is neutral and non-polar, at codon 539 of the ZNF341 protein (p.Val539Ala). This variant is present in population databases (rs371447753, gnomAD 0.004%). This variant has not been reported in the literature in individuals affected with ZNF341-related conditions. ClinVar contains an entry for this variant (Variation ID: 2720009). An algorithm developed to predict the effect of missense changes on protein structure and function (PolyPhen-2) suggests that this variant is likely to be disruptive. In summary, the available evidence is currently insufficient to determine the role of this variant in disease. Therefore, it has been classified as a Variant of Uncertain Significance.

NM_001282933.2(ZNF341):c.1637T>C (p.Val546Ala)

Gene: ZNF341 (zinc finger protein 341; plus strand). Cytogenetic location: 20q11.22.
Variant type: single nucleotide variant.
Coding change: c.1637T>C on transcript NM_001282933.2 (MANE Select); coding-DNA position 1637, T replaced by C.
Protein change: p.Val546Ala; replaces valine 546 with alanine.
Molecular consequence: missense variant.
Genome position (GRCh38, 1-based): chr20:33,781,305, T>C. VCF-style: chr20-33781305-T-C. GRCh37 (hg19) VCF-style: chr20-32369111-T-C.
Other names: c.1367T>C, p.Val456Ala (NM_001282935.2); c.1616T>C, p.Val539Ala (NM_032819.5); c.1616T>C (NM_032819.3); short protein forms V539A, V546A, V456A.
Identifiers: ClinVar variation 2720009 (VCV002720009.3), dbSNP rs371447753, ClinGen allele CA9819506.